The following is an entry in ClinVar:

NM_006118.4(HAX1):c.379G>T (p.Asp127Tyr)

Gene: HAX1 (HCLS1 associated protein X-1; plus strand). Cytogenetic location: 1q21.3.
Variant type: single nucleotide variant.
Coding change: c.379G>T on transcript NM_006118.4 (MANE Select); coding-DNA position 379, G replaced by T.
Protein change: p.Asp127Tyr; replaces aspartic acid 127 with tyrosine.
Molecular consequence: missense variant.
Genome position (GRCh38, 1-based): chr1:154,273,836, G>T. VCF-style: chr1-154273836-G-T. GRCh37 (hg19) VCF-style: chr1-154246312-G-T.
Other names: c.235G>T, p.Asp79Tyr (NM_001018837.2); short protein forms D127Y, D79Y.
Identifiers: ClinVar variation 3367077 (VCV003367077.1).

ClinVar aggregate classification (germline): Uncertain significance (1 of 4 stars; one submission).

Conditions:
Kostmann syndrome (SCN3). Also called: KOSTMANN DISEASE; Autosomal recessive severe congenital neutropenia type 3. Identifiers: Orphanet 99749, MedGen C5235141, MONDO:0012548, OMIM 610738.

Submission:

Neuberg Centre For Genomic Medicine, NCGM
Classification: Uncertain significance for Kostmann syndrome. Last evaluated: 2023-05-20. Review status: criteria provided, single submitter. Criteria: ACMG Guidelines, 2015. Collection method: clinical testing. Allele origin: germline. Inheritance: Autosomal recessive inheritance. Affected: yes.
Comment: The observed missense variant c.379G>T(p.Asp127Tyr) in HAX1 gene has not been reported previously as a pathogenic variant nor as a benign variant, to our knowledge. The c.379G>T variant has 0.0004% allele frequency in gnomAD Exomes. The amino acid Aspartic acid at position 127 is changed to a Tyrosine changing protein sequence and it might alter its composition and physico-chemical properties. Multiple lines of computational evidence (Polyphen, SIFT and Mutation Taster) predict a damaging effect on protein structure and function for this variant. The amino acid change p.Asp127Tyr in HAX1 is predicted as conserved by GERP++ and PhyloP across 100 vertebrates. For these reasons, this variant has been classified as Uncertain Significance.